The following is an entry in ClinVar:

ClinVar aggregate classification (germline): Uncertain significance (1 of 4 stars; one submission).

Conditions:
Hereditary cancer-predisposing syndrome. Also called: Tumor predisposition; Hereditary neoplastic syndrome; Neoplastic Syndromes, Hereditary; Hereditary Cancer Syndrome. Identifiers: Orphanet 140162, MedGen C0027672, MeSH D009386, MONDO:0015356.

Submission:

Ambry Genetics
Classification: Uncertain significance for Hereditary cancer-predisposing syndrome. Last evaluated: 2025-05-14. Review status: criteria provided, single submitter. Criteria: Ambry Variant Classification Scheme 2023. Collection method: clinical testing. Allele origin: germline.
Comment: The p.G191R variant (also known as c.571G>A), located in coding exon 3 of the FLCN gene, results from a G to A substitution at nucleotide position 571. The glycine at codon 191 is replaced by arginine, an amino acid with dissimilar properties. This amino acid position is not well conserved in available vertebrate species. In addition, this alteration is predicted to be tolerated by in silico analysis. Based on the available evidence, the clinical significance of this variant remains unclear.

NM_144997.7(FLCN):c.571G>A (p.Gly191Arg)

Gene: FLCN (folliculin; minus strand). Cytogenetic location: 17p11.2.
Variant type: single nucleotide variant.
Coding change: c.571G>A on transcript NM_144997.7 (MANE Select); coding-DNA position 571, G replaced by A.
Protein change: p.Gly191Arg; replaces glycine 191 with arginine.
Molecular consequence: missense variant.
Genome position (GRCh38, 1-based): chr17:17,223,969, C>T on the plus strand (G>A on the coding strand, the complement: FLCN is on the minus strand). VCF-style: chr17-17223969-C-T. GRCh37 (hg19) VCF-style: chr17-17127283-C-T.
Other names: c.625G>A, p.Gly209Arg (NM_001353229.2); c.571G>A, p.Gly191Arg (NM_001353230.2, NM_001353231.2, NM_144606.7); short protein forms G209R, G191R.
Identifiers: ClinVar variation 4025315 (VCV004025315.1).